The following is an entry in ClinVar:

NM_024580.6(EFL1):c.2702A>C (p.Lys901Thr)

Gene: EFL1 (elongation factor like GTPase 1; minus strand). Cytogenetic location: 15q25.2.
Variant type: single nucleotide variant.
Coding change: c.2702A>C on transcript NM_024580.6 (MANE Select); coding-DNA position 2702, A replaced by C.
Protein change: p.Lys901Thr; replaces lysine 901 with threonine.
Molecular consequence: missense variant. On other transcripts: non-coding transcript variant (1).
Genome position (GRCh38, 1-based): chr15:82,151,752, T>G on the plus strand (A>C on the coding strand, the complement: EFL1 is on the minus strand). VCF-style: chr15-82151752-T-G. GRCh37 (hg19) VCF-style: chr15-82444093-T-G.
Other names: c.2549A>C, p.Lys850Thr (NM_001040610.3); c.1913A>C, p.Lys638Thr (NM_001322844.2); c.2702A>C, p.Lys901Thr (NM_001322845.2); short protein forms K638T, K850T, K901T.
Identifiers: ClinVar variation 2116612 (VCV002116612.4), dbSNP rs2505308687, ClinGen allele CA393286855.

ClinVar aggregate classification (germline): Uncertain significance (1 of 4 stars; one submission).

Submission:

Labcorp Genetics (formerly Invitae), Labcorp
Classification: Uncertain significance. Last evaluated: 2023-07-17. Review status: criteria provided, single submitter. Criteria: Invitae Variant Classification Sherloc (09022015). Collection method: clinical testing. Allele origin: germline.
Comment: In summary, the available evidence is currently insufficient to determine the role of this variant in disease. Therefore, it has been classified as a Variant of Uncertain Significance. Advanced modeling of protein sequence and biophysical properties (such as structural, functional, and spatial information, amino acid conservation, physicochemical variation, residue mobility, and thermodynamic stability) performed at Invitae indicates that this missense variant is not expected to disrupt EFL1 protein function. ClinVar contains an entry for this variant (Variation ID: 2116612). This variant has not been reported in the literature in individuals affected with EFL1-related conditions. This variant is not present in population databases (gnomAD no frequency). This sequence change replaces lysine, which is basic and polar, with threonine, which is neutral and polar, at codon 901 of the EFL1 protein (p.Lys901Thr).